The following is an entry in ClinVar:

ClinVar aggregate classification (germline): Pathogenic (1 of 4 stars; one submission).

Submission:

Labcorp Genetics (formerly Invitae), Labcorp
Classification: Pathogenic. Last evaluated: 2023-09-28. Review status: criteria provided, single submitter. Criteria: Invitae Variant Classification Sherloc (09022015). Collection method: clinical testing. Allele origin: germline.
Comment: This variant has not been reported in the literature in individuals affected with DSG1-related conditions. For these reasons, this variant has been classified as Pathogenic. This variant is not present in population databases (gnomAD no frequency). This sequence change creates a premature translational stop signal (p.Ser75*) in the DSG1 gene. It is expected to result in an absent or disrupted protein product. Loss-of-function variants in DSG1 are known to be pathogenic (PMID: 19018793, 23974871, 27534273, 27632246, 29604126).

Literature cited by the submitters: PubMed 19018793; PubMed 23974871; PubMed 27534273; PubMed 27632246; PubMed 29604126.

NM_001942.4(DSG1):c.224C>G (p.Ser75Ter)

Gene: DSG1 (desmoglein 1; plus strand). Cytogenetic location: 18q12.1.
Variant type: single nucleotide variant.
Coding change: c.224C>G on transcript NM_001942.4 (MANE Select); coding-DNA position 224, C replaced by G.
Protein change: p.Ser75Ter; replaces serine 75 with a stop codon.
Molecular consequence: nonsense.
Genome position (GRCh38, 1-based): chr18:31,328,196, C>G. VCF-style: chr18-31328196-C-G. GRCh37 (hg19) VCF-style: chr18-28908159-C-G.
Other names: short protein forms S75*.
Identifiers: ClinVar variation 2764098 (VCV002764098.3), dbSNP rs2511043841, ClinGen allele CA402128025.